The following is an entry in ClinVar:

NM_000138.5(FBN1):c.938G>A (p.Cys313Tyr)

Gene: FBN1 (fibrillin 1; minus strand). Cytogenetic location: 15q21.1.
Variant type: single nucleotide variant.
Coding change: c.938G>A on transcript NM_000138.5 (MANE Select); coding-DNA position 938, G replaced by A.
Protein change: p.Cys313Tyr; replaces cysteine 313 with tyrosine.
Molecular consequence: missense variant.
Genome position (GRCh38, 1-based): chr15:48,526,180, C>T on the plus strand (G>A on the coding strand, the complement: FBN1 is on the minus strand). VCF-style: chr15-48526180-C-T. GRCh37 (hg19) VCF-style: chr15-48818377-C-T.
Other names: c.938G>A, p.Cys313Tyr (NM_001406716.1); short protein forms C313Y.
Identifiers: ClinVar variation 4277258 (VCV004277258.1).

ClinVar aggregate classification (germline): Likely pathogenic (1 of 4 stars; one submission).

Conditions:
Marfan syndrome (MFS). Also called: MARFAN SYNDROME, TYPE I; Marfan syndrome type 1; Marfan's syndrome; Marfan syndrome, classic; FBN1-Related Marfan Syndrome. Identifiers: Orphanet 284963, Orphanet 558, MedGen C0024796, MONDO:0007947, OMIM 154700.

Submission:

MVZ Medizinische Genetik Mainz
Classification: Likely pathogenic for Marfan syndrome. Last evaluated: 2025-09-15. Review status: criteria provided, single submitter. Criteria: UK Practice Guidelines For Variant Classification V4 01 2020. Collection method: clinical testing. Allele origin: germline. Inheritance: Autosomal dominant inheritance. Affected: yes. Observed: 1 variant allele.
Comment: ACMG Criteria: PM1_STR,PM2_SUP,PP2,PP3,PP4